The following is an entry in ClinVar:

ClinVar aggregate classification (germline): Pathogenic (1 of 4 stars; one submission).

Submission:

Labcorp Genetics (formerly Invitae), Labcorp
Classification: Pathogenic. Last evaluated: 2024-10-17. Review status: criteria provided, single submitter. Criteria: Invitae Variant Classification Sherloc (09022015). Collection method: clinical testing. Allele origin: germline.
Comment: This sequence change creates a premature translational stop signal (p.Lys148*) in the NFKB1 gene. It is expected to result in an absent or disrupted protein product. Loss-of-function variants in NFKB1 are known to be pathogenic (PMID: 26279205, 29477724). This variant is not present in population databases (gnomAD no frequency). This variant has not been reported in the literature in individuals affected with NFKB1-related conditions. Algorithms developed to predict the effect of sequence changes on RNA splicing suggest that this variant may disrupt the consensus splice site. For these reasons, this variant has been classified as Pathogenic.

Literature cited by the submitters: PubMed 26279205; PubMed 29477724.

NM_003998.4(NFKB1):c.442A>T (p.Lys148Ter)

Gene: NFKB1 (nuclear factor kappa B subunit 1; plus strand). Cytogenetic location: 4q24.
Variant type: single nucleotide variant.
Coding change: c.442A>T on transcript NM_003998.4 (MANE Select); coding-DNA position 442, A replaced by T.
Protein change: p.Lys148Ter; replaces lysine 148 with a stop codon.
Molecular consequence: nonsense.
Genome position (GRCh38, 1-based): chr4:102,576,910, A>T. VCF-style: chr4-102576910-A-T. GRCh37 (hg19) VCF-style: chr4-103498067-A-T.
Other names: c.439A>T, p.Lys147Ter (NM_001165412.2, NM_001319226.2, NM_001382627.1); c.442A>T, p.Lys148Ter (NM_001382625.1, NM_001382626.1); c.400A>T, p.Lys134Ter (NM_001382628.1); short protein forms K147*, K134*, K148*.
Identifiers: ClinVar variation 3717080 (VCV003717080.2).
Genomic context (GRCh38, chr4:102,576,910, plus strand): 5'-TGCTGCTGTTACTGTTTTTTCTCCAGCTTCGCAAACCTGGGTATACTTCATGTGACAAAG[A>T]AAAAAGTATTTGAAACACTGGAAGCACGAATGACAGAGGCGTGTATAAGGGGCTATAATC-3'